The following is an entry in ClinVar:

NM_024741.3(ZNF408):c.1339G>A (p.Ala447Thr)

Gene: ZNF408 (zinc finger protein 408; plus strand). Cytogenetic location: 11p11.2.
Variant type: single nucleotide variant.
Coding change: c.1339G>A on transcript NM_024741.3 (MANE Select); coding-DNA position 1339, G replaced by A.
Protein change: p.Ala447Thr; replaces alanine 447 with threonine.
Molecular consequence: missense variant.
Genome position (GRCh38, 1-based): chr11:46,705,039, G>A. VCF-style: chr11-46705039-G-A. GRCh37 (hg19) VCF-style: chr11-46726589-G-A.
Other names: c.1315G>A, p.Ala439Thr (NM_001184751.2); short protein forms A447T, A439T.
Identifiers: ClinVar variation 3195573 (VCV003195573.3), dbSNP rs765506026, ClinGen allele CA5966544.

ClinVar aggregate classification (germline): Uncertain significance. Review status: criteria provided, multiple submitters, no conflicts (2 of 4 stars). 2 submissions from 2 submitters: Uncertain significance (2). Last evaluated 2024-11-14.

Conditions:
Inborn genetic diseases. Identifiers: MedGen C0950123, MeSH D030342.

Allele frequency attached by ClinVar (database versions not stated): gnomAD 0.00001; TOPMed 0.00001; gnomAD exomes 0.00002; ExAC 0.00003.
gnomAD v4.1: 29 of 1,612,816 alleles (0.0018%); highest among the groups gnomAD compares: South Asian, 0.03%; 1 homozygote.

Submissions (2):

Labcorp Genetics (formerly Invitae), Labcorp
Classification: Uncertain significance. Last evaluated: 2024-11-14. Review status: criteria provided, single submitter. Criteria: Invitae Variant Classification Sherloc (09022015). Collection method: clinical testing. Allele origin: germline.
Comment: This sequence change replaces alanine, which is neutral and non-polar, with threonine, which is neutral and polar, at codon 447 of the ZNF408 protein (p.Ala447Thr). This variant is present in population databases (rs765506026, gnomAD 0.02%). This variant has not been reported in the literature in individuals affected with ZNF408-related conditions. ClinVar contains an entry for this variant (Variation ID: 3195573). An algorithm developed to predict the effect of missense changes on protein structure and function (PolyPhen-2) suggests that this variant is likely to be disruptive. In summary, the available evidence is currently insufficient to determine the role of this variant in disease. Therefore, it has been classified as a Variant of Uncertain Significance.

Ambry Genetics
Classification: Uncertain significance for Inborn genetic diseases. Last evaluated: 2024-01-30. Review status: criteria provided, single submitter. Criteria: Ambry Variant Classification Scheme 2023. Collection method: clinical testing. Allele origin: germline.